The following is an entry in ClinVar:

NM_004370.6(COL12A1):c.3265T>A (p.Ser1089Thr)

Gene: COL12A1 (collagen type XII alpha 1 chain; minus strand). Cytogenetic location: 6q13.
Variant type: single nucleotide variant.
Coding change: c.3265T>A on transcript NM_004370.6 (MANE Select); coding-DNA position 3265, T replaced by A.
Protein change: p.Ser1089Thr; replaces serine 1089 with threonine.
Molecular consequence: missense variant. On other transcripts: intron variant (2).
Genome position (GRCh38, 1-based): chr6:75,155,840, A>T on the plus strand (T>A on the coding strand, the complement: COL12A1 is on the minus strand). VCF-style: chr6-75155840-A-T. GRCh37 (hg19) VCF-style: chr6-75865556-A-T.
Other names: c.3265T>A, p.Ser1089Thr (NM_001424113.1, NM_001424114.1); c.2992T>A, p.Ser998Thr (NM_001424115.1); c.74-3358T>A (NM_001424116.1, NM_080645.3); short protein forms S1089T, S998T.
Identifiers: ClinVar variation 3370716 (VCV003370716.1).

ClinVar aggregate classification (germline): Uncertain significance (1 of 4 stars; one submission).

gnomAD v4.1: 2 of 1,599,166 alleles (0.00013%); highest among the groups gnomAD compares: East Asian, 0.0045%; no homozygotes.

Submission:

GeneDx
Classification: Uncertain significance. Last evaluated: 2024-03-07. Review status: criteria provided, single submitter. Criteria: GeneDx Variant Classification Process June 2021. Collection method: clinical testing. Allele origin: germline. Affected: yes.
Comment: Not observed at significant frequency in large population cohorts (gnomAD); In silico analysis supports that this missense variant does not alter protein structure/function; Has not been previously published as pathogenic or benign to our knowledge